The following is an entry in ClinVar:

NM_000038.6(APC):c.4538A>C (p.Glu1513Ala)

Gene: APC (APC regulator of Wnt signaling pathway; plus strand). Cytogenetic location: 5q22.2.
Variant type: single nucleotide variant.
Coding change: c.4538A>C on transcript NM_000038.6 (MANE Select); coding-DNA position 4538, A replaced by C.
Protein change: p.Glu1513Ala; replaces glutamic acid 1513 with alanine.
Molecular consequence: missense variant. On other transcripts: non-coding transcript variant (2).
Genome position (GRCh38, 1-based): chr5:112,840,132, A>C. VCF-style: chr5-112840132-A-C. GRCh37 (hg19) VCF-style: chr5-112175829-A-C.
Other names: c.4265A>C, p.Glu1422Ala (NM_001354902.2); c.4235A>C, p.Glu1412Ala (NM_001354903.2, NM_001407458.1, NM_001407459.1 and 1 more transcripts); c.4160A>C, p.Glu1387Ala (NM_001354904.2); c.4058A>C, p.Glu1353Ala (NM_001354905.2); c.3689A>C, p.Glu1230Ala (NM_001354906.2, NM_001407470.1); c.4622A>C, p.Glu1541Ala (NM_001407446.1); c.4592A>C, p.Glu1531Ala (NM_001407447.1, NM_001407448.1, NM_001407449.1 and 1 more transcripts); c.4538A>C, p.Glu1513Ala (NM_001407450.1, NM_001127510.3, NM_001354895.2); and 11 more; short protein forms E1129A, E1230A, E1353A, E1384A, E1387A, E1412A, E1422A, E1430A.
Identifiers: ClinVar variation 2655636 (VCV002655636.25), dbSNP rs2149917063, ClinGen allele CA16031259.

ClinVar aggregate classification (germline): Uncertain significance. Review status: criteria provided, multiple submitters, no conflicts (2 of 4 stars). 2 submissions from 2 submitters: Uncertain significance (2). Last evaluated 2023-03-23.

Conditions:
Classic or attenuated familial adenomatous polyposis. Identifiers: MedGen CN372698, MONDO:0021057.

Allele frequency attached by ClinVar (database versions not stated): gnomAD exomes below 0.00001.
gnomAD v4.1: 1 of 1,614,132 alleles (0.000062%); highest among the groups gnomAD compares: Non-Finnish European, 0.000085%; no homozygotes.

Submissions (2):

All of Us Research Program, National Institutes of Health
Classification: Uncertain significance for Classic or attenuated familial adenomatous polyposis. Last evaluated: 2023-03-23. Review status: criteria provided, single submitter. Criteria: ACMG Guidelines, 2015. Collection method: clinical testing. Allele origin: germline. Inheritance: Autosomal dominant inheritance. Observed: 1 variant allele, 1 heterozygote.
Comment: This missense variant replaces glutamic acid with alanine at codon 1513 of the APC protein. Computational prediction suggests that this variant may have deleterious impact on protein structure and function (internally defined REVEL score threshold >= 0.7, PMID: 27666373). To our knowledge, functional studies have not been reported for this variant. This variant has not been reported in individuals affected with APC-related disorders in the literature. This variant has not been identified in the general population by the Genome Aggregation Database (gnomAD). The available evidence is insufficient to determine the role of this variant in disease conclusively. Therefore, this variant is classified as a Variant of Uncertain Significance.

This study involves interpretation of variants in research participants for the purpose of population health screening. Participant phenotype was not available at the time of variant classification. Additional details can be found in publication PMID: 35346344, PMCID: PMC8962531

CeGaT Center for Human Genetics Tuebingen
Classification: Uncertain significance. Last evaluated: 2022-12-01. Review status: criteria provided, single submitter. Criteria: CeGaT Center For Human Genetics Tuebingen Variant Classification Criteria Version 2. Collection method: clinical testing. Allele origin: germline. Affected: yes. Observed: 1 variant allele.
Comment: APC: PM2, PP3